The following is an entry in ClinVar:

NM_005802.5(TOPORS):c.2554_2557del (p.Glu852fs)

Gene: TOPORS (TOP1 binding arginine/serine rich protein, E3 ubiquitin ligase; minus strand). Cytogenetic location: 9p21.1.
Variant type: Microsatellite.
Coding change: c.2554_2557del on transcript NM_005802.5 (MANE Select); coding-DNA positions 2554 to 2557, 4 bases deleted (GAGA; older notation c.2554_2557delGAGA).
Protein change: p.Glu852fs; shifts the reading frame from glutamic acid 852.
Molecular consequence: frameshift variant.
Genome position (GRCh38, 1-based): chr9:32,541,968-32,541,971, TCTC deleted on the plus strand (GAGA on the coding strand, the reverse complement: TOPORS is on the minus strand); deleting any 4 consecutive bases within chr9:32,541,968-32,541,974 gives the same sequence; the c. name uses the placement nearest the transcript's 3' end. VCF-style (leftmost placement, unchanged base first): chr9-32541967-GTCTC-G. GRCh37 (hg19) VCF-style: chr9-32541965-GTCTC-G.
Other names: c.2359_2362del, p.Glu787fs (NM_001195622.2); short protein forms E787fs, E852fs.
Identifiers: ClinVar variation 143130 (VCV000143130.22), dbSNP rs527236116, ClinGen allele CA270089.

ClinVar aggregate classification (germline): Pathogenic/Likely pathogenic. Review status: criteria provided, multiple submitters, no conflicts (2 of 4 stars). 11 submissions from 11 submitters: Pathogenic (5); Likely pathogenic (2). 4 of the submissions do not count toward it. Last evaluated 2025-10-31.

Conditions:
TOPORS-related disorder. Also called: TOPORS-related condition.
Retinal dystrophy. Also called: Inherited retinal dystrophy. Identifiers: Orphanet 71862, MedGen C0854723, MeSH D058499, MONDO:0019118, HP:0000556.
Retinitis pigmentosa (RP). Identifiers: Orphanet 791, MedGen C0035334, MeSH D012174, MONDO:0019200, OMIM 268000. Inheritance: Autosomal dominant, autosomal recessive and X linked inheritance.
Retinal disorder. Also called: Retinal disorders; Retinopathy; Retinopathies; Retinal Diseases. Identifiers: MedGen C0035309, MONDO:0005283, HP:0000488.
Retinitis pigmentosa 31 (RP31). Identifiers: Orphanet 791, MedGen C1835923, MONDO:0012367, OMIM 609923.

Submissions (11):

Labcorp Genetics (formerly Invitae), Labcorp
Classification: Pathogenic. Last evaluated: 2025-10-31. Review status: criteria provided, single submitter. Criteria: Invitae Variant Classification Sherloc (09022015). Collection method: clinical testing. Allele origin: germline.
Comment: This sequence change creates a premature translational stop signal (p.Glu852Glnfs*13) in the TOPORS gene. While this is not anticipated to result in nonsense mediated decay, it is expected to disrupt the last 194 amino acid(s) of the TOPORS protein. This variant is present in population databases (rs527236116, gnomAD 0.007%). This premature translational stop signal has been observed in individuals with clinical features of retinitis pigmentosa (PMID: 23950152; internal data). This variant is located in a region of the TOPORS protein where a significant number of TOPORS nonsense and frameshift mutations have been reported in association with autosomal dominant retinitis pigmentosa (PMID: 35579903, 17924349, 32531858). For these reasons, this variant has been classified as Pathogenic.

GeneDx
Classification: Pathogenic. Last evaluated: 2024-02-21. Review status: criteria provided, single submitter. Criteria: GeneDx Variant Classification Process June 2021. Collection method: clinical testing. Allele origin: germline. Affected: yes.
Comment: Frameshift variant predicted to result in protein truncation, as the last 194 amino acids are replaced with 12 different amino acids, and other loss-of-function variants have been reported downstream in the Human Gene Mutation Database (HGMD); Not observed at significant frequency in large population cohorts (gnomAD); This variant is associated with the following publications: (PMID: 32531858, 24077912, 23950152)

Blueprint Genetics
Classification: Pathogenic for TOPORS-related disorders. Last evaluated: 2022-10-20. Review status: criteria provided, single submitter. Criteria: ACMG Guidelines, 2015. Collection method: clinical testing. Allele origin: germline. Affected: yes. Observed: 5 variant alleles.

AURAGEN, Plan France Médecine Génomique
Classification: Pathogenic for Retinal disorder. Last evaluated: 2022-06-17. Review status: criteria provided, single submitter. Criteria: PFMG2025 (Lancet Reg Health Eur. 2025). Collection method: clinical testing. Allele origin: germline. Affected: yes.

Institute of Human Genetics, Univ. Regensburg, Univ. Regensburg
Classification: Pathogenic for Retinal dystrophy. Last evaluated: 2022-01-01. Review status: criteria provided, single submitter. Criteria: ACMG Guidelines, 2015. Collection method: clinical testing. Allele origin: germline. Affected: yes.

Ocular Genomics Institute, Massachusetts Eye and Ear
Classification: Likely pathogenic for Retinitis pigmentosa 31. Last evaluated: 2021-04-08. Review status: criteria provided, single submitter. Criteria: ACMG Guidelines, 2015. Collection method: research. Allele origin: germline. Affected: yes.
Comment: Through a review of available evidence we were able to apply the following criteria: PVS1, PM2. Based on this evidence we have classified this variant as Likely Pathogenic.

Broad Center for Mendelian Genomics, Broad Institute of MIT and Harvard
Classification: Likely pathogenic for Retinitis pigmentosa. Last evaluated: 2021-04-01. Review status: criteria provided, single submitter. Criteria: ACMG Guidelines, 2015. Collection method: curation. Allele origin: germline. Inheritance: Autosomal dominant inheritance. Affected: yes.
Comment: Through a review of available evidence we were able to apply the following criteria: PVS1, PM2. Based on this evidence we have classified this variant as Likely Pathogenic. If you have any questions about the classification please reach out to the Pierce Lab.

Sharon lab, Hadassah-Hebrew University Medical Center
Classification: Pathogenic for Retinitis pigmentosa. Last evaluated: 2019-06-23. Review status: no assertion criteria provided. Collection method: research. Allele origin: inherited. Affected: yes. Not counted in ClinVar's aggregate classification.

Department of Clinical Genetics, Copenhagen University Hospital, Rigshospitalet
Classification: Pathogenic for Retinitis pigmentosa. Last evaluated: 2018-04-01. Review status: no assertion criteria provided. Collection method: research. Allele origin: unknown. Affected: yes. Study: VeluxRD. Not counted in ClinVar's aggregate classification.

OMIM
Classification: Pathogenic for RETINITIS PIGMENTOSA 31. Last evaluated: 2014-10-01. Review status: no assertion criteria provided. Collection method: literature only. Allele origin: germline. Not counted in ClinVar's aggregate classification.

Department of Ophthalmology and Visual Sciences Kyoto University
Classification: Pathogenic for Retinitis pigmentosa. Review status: no assertion criteria provided. Collection method: not provided. Allele origin: unknown. Not counted in ClinVar's aggregate classification.
ClinVar note: Converted during submission from pathogenic to Pathogenic.

Literature cited by the submitters: PubMed 23950152 (cited by Labcorp Genetics (formerly Invitae), Labcorp and Institute of Human Genetics, Univ. Regensburg, Univ. Regensburg); PubMed 35579903 (cited by Labcorp Genetics (formerly Invitae), Labcorp and OMIM); PubMed 17924349 (cited by Labcorp Genetics (formerly Invitae), Labcorp); PubMed 32531858 (cited by Labcorp Genetics (formerly Invitae), Labcorp and Institute of Human Genetics, Univ. Regensburg, Univ. Regensburg); PubMed 36819107 (cited by Institute of Human Genetics, Univ. Regensburg, Univ. Regensburg); PubMed 31736247 (cited by Ocular Genomics Institute, Massachusetts Eye and Ear and Broad Center for Mendelian Genomics, Broad Institute of MIT and Harvard); PubMed 34906470 (cited by Broad Center for Mendelian Genomics, Broad Institute of MIT and Harvard); PubMed 30718709 (cited by Department of Clinical Genetics, Copenhagen University Hospital, Rigshospitalet); PubMed 24938718 (cited by OMIM).